The following is an entry in ClinVar:

NM_000548.5(TSC2):c.3052C>T (p.Leu1018Phe)

Gene: TSC2 (TSC complex subunit 2; plus strand). Cytogenetic location: 16p13.3.
Variant type: single nucleotide variant.
Coding change: c.3052C>T on transcript NM_000548.5 (MANE Select); coding-DNA position 3052, C replaced by T.
Protein change: p.Leu1018Phe; replaces leucine 1018 with phenylalanine.
Molecular consequence: missense variant.
Genome position (GRCh38, 1-based): chr16:2,079,117, C>T. VCF-style: chr16-2079117-C-T. GRCh37 (hg19) VCF-style: chr16-2129118-C-T.
Other names: c.3052C>T (NM_000548.3); c.2920C>T, p.Leu974Phe (NM_001077183.3, NM_001370404.1); c.3052C>T, p.Leu1018Phe (NM_001114382.3); c.2812C>T, p.Leu938Phe (NM_001318827.2); c.2776C>T, p.Leu926Phe (NM_001318829.2); c.2320C>T, p.Leu774Phe (NM_001318831.2); c.2953C>T, p.Leu985Phe (NM_001318832.2); c.2923C>T, p.Leu975Phe (NM_001363528.2, NM_001370405.1, NM_021055.3); short protein forms L1018F, L774F, L926F, L938F, L974F, L975F, L985F.
Identifiers: ClinVar variation 1056128 (VCV001056128.12), dbSNP rs1034696882, ClinGen allele CA394284285.

ClinVar aggregate classification (germline): Uncertain significance. Review status: criteria provided, multiple submitters, no conflicts (2 of 4 stars). 4 submissions from 4 submitters: Uncertain significance (4). Last evaluated 2025-10-06.

Conditions:
Isolated focal cortical dysplasia type II (FCORD2). Also called: CORTICAL DYSPLASIA OF TAYLOR; Focal cortical dysplasia type II. Identifiers: Orphanet 268994, MedGen C1846385, MONDO:0011818, OMIM 607341, HP:0032051.
Lymphangiomyomatosis (LAM). Also called: Lymphangioleiomyomatosis, somatic; Lymphangioleiomyomatosis. Identifiers: Orphanet 538, MedGen C0751674, MONDO:0011705, OMIM 606690.
Tuberous sclerosis 2 (TSC2). Identifiers: Orphanet 805, MedGen C1860707, MONDO:0013199, OMIM 613254.
Hereditary cancer-predisposing syndrome. Also called: Hereditary Cancer Syndrome; Tumor predisposition; Hereditary neoplastic syndrome; Neoplastic Syndromes, Hereditary. Identifiers: Orphanet 140162, MedGen C0027672, MeSH D009386, MONDO:0015356.

Submissions (4):

Labcorp Genetics (formerly Invitae), Labcorp
Classification: Uncertain significance for Tuberous sclerosis 2. Last evaluated: 2025-10-06. Review status: criteria provided, single submitter. Criteria: Invitae Variant Classification Sherloc (09022015). Collection method: clinical testing. Allele origin: germline.
Comment: This sequence change replaces leucine, which is neutral and non-polar, with phenylalanine, which is neutral and non-polar, at codon 1018 of the TSC2 protein (p.Leu1018Phe). This variant is not present in population databases (gnomAD no frequency). This variant has not been reported in the literature in individuals affected with TSC2-related conditions. ClinVar contains an entry for this variant (Variation ID: 1056128). Invitae Evidence Modeling of protein sequence and biophysical properties (such as structural, functional, and spatial information, amino acid conservation, physicochemical variation, residue mobility, and thermodynamic stability) indicates that this missense variant is not expected to disrupt TSC2 protein function with a negative predictive value of 95%. In summary, the available evidence is currently insufficient to determine the role of this variant in disease. Therefore, it has been classified as a Variant of Uncertain Significance.

Ambry Genetics
Classification: Uncertain significance for Hereditary cancer-predisposing syndrome. Last evaluated: 2024-11-25. Review status: criteria provided, single submitter. Criteria: Ambry Variant Classification Scheme 2023. Collection method: clinical testing. Allele origin: germline.
Comment: The p.L1018F variant (also known as c.3052C>T), located in coding exon 26 of the TSC2 gene, results from a C to T substitution at nucleotide position 3052. The leucine at codon 1018 is replaced by phenylalanine, an amino acid with highly similar properties. This amino acid position is conserved. In addition, the in silico prediction for this alteration is inconclusive. Based on the available evidence, the clinical significance of this variant remains unclear.

Fulgent Genetics
Classification: Uncertain significance for Lymphangiomyomatosis; Isolated focal cortical dysplasia type II; Tuberous sclerosis 2. Last evaluated: 2024-01-05. Review status: criteria provided, single submitter. Criteria: ACMG Guidelines, 2015. Collection method: clinical testing. Allele origin: germline.

GeneDx
Classification: Uncertain significance. Last evaluated: 2022-11-14. Review status: criteria provided, single submitter. Criteria: GeneDx Variant Classification Process June 2021. Collection method: clinical testing. Allele origin: germline. Affected: yes.
Comment: Not observed at significant frequency in large population cohorts (gnomAD); In silico analysis supports that this missense variant does not alter protein structure/function; Has not been previously published as pathogenic or benign to our knowledge